The following is an entry in ClinVar:

ClinVar aggregate classification (germline): Uncertain significance. Review status: criteria provided, multiple submitters, no conflicts (2 of 4 stars). 2 submissions from 2 submitters: Uncertain significance (2). Last evaluated 2025-10-29.

Conditions:
Inborn genetic diseases. Identifiers: MedGen C0950123, MeSH D030342.
Wiskott-Aldrich syndrome 2 (WAS2). Also called: WIPF1 DEFICIENCY. Identifiers: Orphanet 906, MedGen C3281001, MONDO:0013779, OMIM 614493.

Allele frequency attached by ClinVar (database versions not stated): ExAC 0.00002; gnomAD 0.00002; gnomAD exomes 0.00002; TOPMed 0.00004.
gnomAD v4.1: 27 of 1,614,070 alleles (0.0017%); highest among the groups gnomAD compares: Admixed American, 0.013%; no homozygotes.

Submissions (2):

Ambry Genetics
Classification: Uncertain significance for Inborn genetic diseases. Last evaluated: 2025-10-29. Review status: criteria provided, single submitter. Criteria: Ambry Variant Classification Scheme 2023. Collection method: clinical testing. Allele origin: germline.

Labcorp Genetics (formerly Invitae), Labcorp
Classification: Uncertain significance for Wiskott-Aldrich syndrome 2. Last evaluated: 2024-02-12. Review status: criteria provided, single submitter. Criteria: Invitae Variant Classification Sherloc (09022015). Collection method: clinical testing. Allele origin: germline.
Comment: This sequence change replaces proline, which is neutral and non-polar, with leucine, which is neutral and non-polar, at codon 502 of the WIPF1 protein (p.Pro502Leu). This variant is present in population databases (rs770286102, gnomAD 0.01%). This variant has not been reported in the literature in individuals affected with WIPF1-related conditions. ClinVar contains an entry for this variant (Variation ID: 1397338). An algorithm developed to predict the effect of missense changes on protein structure and function (PolyPhen-2) suggests that this variant is likely to be disruptive. In summary, the available evidence is currently insufficient to determine the role of this variant in disease. Therefore, it has been classified as a Variant of Uncertain Significance.

NM_001375834.1(WIPF1):c.1505C>T (p.Pro502Leu)

Gene: WIPF1 (WAS/WASL interacting protein family member 1; minus strand). Cytogenetic location: 2q31.1.
Variant type: single nucleotide variant.
Coding change: c.1505C>T on transcript NM_001375834.1 (MANE Select); coding-DNA position 1505, C replaced by T.
Protein change: p.Pro502Leu; replaces proline 502 with leucine.
Molecular consequence: missense variant.
Genome position (GRCh38, 1-based): chr2:174,562,554, G>A on the plus strand (C>T on the coding strand, the complement: WIPF1 is on the minus strand). VCF-style: chr2-174562554-G-A. GRCh37 (hg19) VCF-style: chr2-175427282-G-A.
Other names: c.1505C>T, p.Pro502Leu (NM_001077269.1, NM_001375832.1, NM_001375833.1 and 2 more transcripts); c.1127C>T, p.Pro376Leu (NM_001375839.1); short protein forms P376L, P502L.
Identifiers: ClinVar variation 1397338 (VCV001397338.9), dbSNP rs770286102, ClinGen allele CA1973877.